The following is an entry in ClinVar:

ClinVar aggregate classification (germline): Pathogenic (1 of 4 stars; one submission).

Conditions:
Hereditary breast ovarian cancer syndrome. Also called: Hereditary breast and ovarian cancer; Breast and ovarian cancer; Hereditary breast and/or ovarian cancer syndrome; BRCA1- and BRCA2-Associated Hereditary Breast and Ovarian Cancer; Hereditary breast and ovarian cancer syndrome; Hereditary breast and ovarian cancer syndrome (HBOC). Identifiers: Orphanet 145, MedGen C0677776, MeSH D061325, MONDO:0003582. Disease mechanism: loss of function.

Submission:

Women's Health and Genetics/Laboratory Corporation of America, LabCorp
Classification: Pathogenic for Hereditary breast ovarian cancer syndrome. Last evaluated: 2022-12-22. Review status: criteria provided, single submitter. Criteria: LabCorp Variant Classification Summary - May 2015. Collection method: clinical testing. Allele origin: germline.
Comment: Variant summary: The variant identified by MLPA or other technology involves the deletion of exons 1-18 in the BRCA1 gene. A presumed nomenclature of c.(?_-233)_(5193+1_5194-1)del has been designated for the purposes of this classification. Although exact breakpoints of this deletion are not known, it is expected to remove the initiation codon and is predicted to result either in absence of the protein or truncation of the encoded protein due to translation initiation at a downstream site. The variant was absent in 21694 control chromosomes in gnomAD database, structural variants data set. Deletion of exons 1-18 has been reported in the literature in multiple individuals affected with Hereditary Breast And Ovarian Cancer Syndrome (examples: Judkins_2012, Churpek_2015, Rebbeck_2018). These data indicate that the variant is very likely to be associated with disease. To our knowledge, no experimental evidence demonstrating an impact on protein function has been reported. One submitter (CIMBA - an expert panel) provided clinical-significance assessments for this variant to ClinVar after 2014 and classified the variant as pathogenic. Based on the evidence outlined above, the variant was classified as pathogenic.

Literature cited by the submitters: PubMed 22544547; PubMed 25428789; PubMed 29446198.

NC_000017.10:g.(41209153_41215349)_(41277501_?)del

Gene: BRCA1 (BRCA1 DNA repair associated; minus strand). Cytogenetic location: 17q21.31.
Variant type: Deletion.
Identifiers: ClinVar variation 1878370 (VCV001878370.1).